The following is an entry in ClinVar:

ClinVar aggregate classification (germline): Pathogenic (1 of 4 stars; one submission).

Conditions:
Abetalipoproteinaemia (ABL). Also called: MTP DEFICIENCY; Abetalipoproteinemia; Abetalipoproteinemia neuropathy; Apolipoprotein B deficiency; Congenital betalipoprotein deficiency syndrome. Identifiers: Orphanet 14, MedGen C0000744, MONDO:0008692, OMIM 200100, HP:0008181.

Submission:

Myriad Genetics, Inc.
Classification: Pathogenic for Abetalipoproteinaemia. Last evaluated: 2024-08-03. Review status: criteria provided, single submitter. Criteria: Myriad Autosomal Dominant, Autosomal Recessive and X-Linked Classification Criteria (2023). Collection method: clinical testing. Allele origin: unknown.
Comment: NM_000253.2(MTTP):c.2187delA(G730Dfs*5) is expected to be pathogenic in the context of abetalipoproteinemia. This variant is predicted to lead to an abnormal or absent protein product due to the creation of a premature termination codon in MTTP, a gene where loss-of-function variants are known to be pathogenic. Please note: this variant was assessed in the context of healthy population screening.

NM_001386140.1(MTTP):c.2187del (p.Gly730fs)

Gene: MTTP (microsomal triglyceride transfer protein; plus strand). Cytogenetic location: 4q23.
Variant type: Deletion.
Coding change: c.2187del on transcript NM_001386140.1 (MANE Select); coding-DNA position 2187, one base deleted (A; older notation c.2187delA).
Protein change: p.Gly730fs; shifts the reading frame from glycine 730.
Molecular consequence: frameshift variant.
Genome position (GRCh38, 1-based): chr4:99,613,110, A deleted; the last of 3 consecutive A bases (chr4:99,613,108-99,613,110); deleting any one gives the same sequence. VCF-style (leftmost placement, unchanged base first): chr4-99613107-GA-G. GRCh37 (hg19) VCF-style: chr4-100534264-GA-G.
Other names: c.2187del, p.Gly730fs (NM_000253.4); c.1938del, p.Gly647fs (NM_001300785.2); short protein forms G647fs, G730fs.
Identifiers: ClinVar variation 5013415 (VCV005013415.1).